The following is an entry in ClinVar:

ClinVar aggregate classification (germline): Conflicting classifications of pathogenicity. Review status: criteria provided, conflicting classifications (1 of 4 stars). 2 submissions from 2 submitters: Likely pathogenic (1); Uncertain significance (1). Last evaluated 2022-10-13.

Conditions:
Pigmentary pallidal degeneration (NBIA1). Also called: HARP SYNDROME; PKAN NEUROAXONAL DYSTROPHY, JUVENILE-ONSET; Pantothenate Kinase-Associated Neurodegeneration; Neurodegeneration with brain iron accumulation 1; Neuroaxonal dystrophy, late infantile; Hallervorden-Spatz disease. Identifiers: Orphanet 157850, MedGen C0018523, MONDO:0009319, OMIM 234200.

Allele frequency attached by ClinVar (database versions not stated): gnomAD exomes below 0.00001; ExAC 0.00001; gnomAD 0.00001; ESP Exome Variant Server 0.00008.
gnomAD v4.1: 3 of 1,614,048 alleles (0.00019%); highest among the groups gnomAD compares: Non-Finnish European, 0.00025%; no homozygotes.

Submissions (2):

Labcorp Genetics (formerly Invitae), Labcorp
Classification: Uncertain significance for Pigmentary pallidal degeneration. Last evaluated: 2022-10-13. Review status: criteria provided, single submitter. Criteria: Invitae Variant Classification Sherloc (09022015). Collection method: clinical testing. Allele origin: germline.
Comment: In summary, the available evidence is currently insufficient to determine the role of this variant in disease. Therefore, it has been classified as a Variant of Uncertain Significance. Advanced modeling of protein sequence and biophysical properties (such as structural, functional, and spatial information, amino acid conservation, physicochemical variation, residue mobility, and thermodynamic stability) has been performed at Invitae for this missense variant, however the output from this modeling did not meet the statistical confidence thresholds required to predict the impact of this variant on PANK2 protein function. This variant has not been reported in the literature in individuals affected with PANK2-related conditions. This variant is present in population databases (rs149907912, gnomAD 0.0009%). This sequence change replaces cysteine, which is neutral and slightly polar, with tyrosine, which is neutral and polar, at codon 372 of the PANK2 protein (p.Cys372Tyr).

Nutriplexity
Classification: Likely pathogenic for Pigmentary pallidal degeneration. Last evaluated: 2022-03-17. Review status: criteria provided, single submitter. Criteria: ACMG Guidelines, 2015. Collection method: clinical testing. Allele origin: unknown. Inheritance: Semidominant inheritance. Observed: 1 heterozygote.
Comment: PP3 - Multiple lines of computational evidence support a deleterious effect on the gene or gene product (conservation, evolutionary, splicing impact, etc.) PM2 - Absent from controls (or at extremely low frequency if recessive) in Exome Sequencing Project, 1000 Genomes Project, or Exome Aggregation Consortium. PP2 - Missense variant in a gene that has a low rate of benign missense variation and in which missense variants are a common mechanism of disease.

NM_001386393.1(PANK2):c.785G>A (p.Cys262Tyr)

Gene: PANK2 (pantothenate kinase 2; plus strand). Cytogenetic location: 20p13.
Variant type: single nucleotide variant.
Coding change: c.785G>A on transcript NM_001386393.1 (MANE Select); coding-DNA position 785, G replaced by A.
Protein change: p.Cys262Tyr; replaces cysteine 262 with tyrosine.
Molecular consequence: missense variant. On other transcripts: 5 prime UTR variant (1), non-coding transcript variant (1).
Genome position (GRCh38, 1-based): chr20:3,910,710, G>A. VCF-style: chr20-3910710-G-A. GRCh37 (hg19) VCF-style: chr20-3891357-G-A.
Other names: c.242G>A, p.Cys81Tyr (NM_001324191.2, NM_024960.6, NM_153640.4); c.-194G>A (NM_001324193.2); c.1115G>A, p.Cys372Tyr (NM_153638.4); short protein forms C262Y, C372Y, C81Y.
Identifiers: ClinVar variation 1804876 (VCV001804876.7), dbSNP rs149907912, ClinGen allele CA9750770.